The following is an entry in ClinVar:

NM_000195.5(HPS1):c.1763T>C (p.Leu588Pro)

Gene: HPS1 (HPS1 biogenesis of lysosomal organelles complex 3 subunit 1; minus strand). Cytogenetic location: 10q24.2.
Variant type: single nucleotide variant.
Coding change: c.1763T>C on transcript NM_000195.5 (MANE Select); coding-DNA position 1763, T replaced by C.
Protein change: p.Leu588Pro; replaces leucine 588 with proline.
Molecular consequence: missense variant.
Genome position (GRCh38, 1-based): chr10:98,420,139, A>G on the plus strand (T>C on the coding strand, the complement: HPS1 is on the minus strand). VCF-style: chr10-98420139-A-G. GRCh37 (hg19) VCF-style: chr10-100179896-A-G.
Other names: NM_000195.5(HPS1):c.1763T>C; p.Leu588Pro; c.1403T>C, p.Leu468Pro (NM_001322482.2); c.1394T>C, p.Leu465Pro (NM_001322483.2, NM_001322484.2); c.1295T>C, p.Leu432Pro (NM_001322485.2); c.791T>C, p.Leu264Pro (NM_001322487.2, NM_001322489.2, NM_001311345.2); c.1763T>C, p.Leu588Pro (NM_001322476.2, NM_001322477.2); c.1664T>C, p.Leu555Pro (NM_001322478.2, NM_001322479.2); and 1 more; short protein forms L264P, L465P, L432P, L468P, L501P, L588P, L555P.
Identifiers: ClinVar variation 1032250 (VCV001032250.3), dbSNP rs1302271283, ClinGen allele CA378043639.

ClinVar aggregate classification (germline): Uncertain significance. Review status: criteria provided, multiple submitters, no conflicts (2 of 4 stars). 3 submissions from 3 submitters: Uncertain significance (3). Last evaluated 2024-04-05.

Conditions:
Hermansky-Pudlak syndrome (HPS). Also called: ALBINISM WITH HEMORRHAGIC DIATHESIS AND PIGMENTED RETICULOENDOTHELIAL CELLS. Identifiers: Orphanet 79430, MedGen C0079504, MONDO:0019312.
Hermansky-Pudlak syndrome 1 (HPS1). Also called: DELTA STORAGE POOL DISEASE. Identifiers: Orphanet 231500, Orphanet 79430, MedGen C2931875, MONDO:0008748, OMIM 203300.

Allele frequency attached by ClinVar (database versions not stated): gnomAD exomes below 0.00001 and 0.00001.
gnomAD v4.1: 3 of 1,613,668 alleles (0.00019%); highest among the groups gnomAD compares: East Asian, 0.0045%; no homozygotes.

Submissions (3):

Women's Health and Genetics/Laboratory Corporation of America, LabCorp
Classification: Uncertain significance. Last evaluated: 2024-04-05. Review status: criteria provided, single submitter. Criteria: LabCorp Variant Classification Summary - May 2015. Collection method: clinical testing. Allele origin: germline.
Comment: Variant summary: HPS1 c.1763T>C (p.Leu588Pro) results in a non-conservative amino acid change located in the FUZ/MON1/HPS1, third Longin domain (IPR043970) of the encoded protein sequence. Three of four in-silico tools predict a damaging effect of the variant on protein function. The variant allele was found at a frequency of 4e-06 in 250052 control chromosomes. The available data on variant occurrences in the general population are insufficient to allow any conclusion about variant significance. c.1763T>C has been reported in the literature in at least one compound heterozygous individual affected with Hermansky-Pudlak Syndrome (e.g., Okamura_2019). However, these data do not allow any conclusion about variant significance. To our knowledge, no experimental evidence demonstrating an impact on protein function has been reported. The following publication has been ascertained in the context of this evaluation (PMID: 31141302). ClinVar contains an entry for this variant (Variation ID: 1032250). Based on the evidence outlined above, the variant was classified as uncertain significance.

Broad Center for Mendelian Genomics, Broad Institute of MIT and Harvard
Classification: Uncertain significance for Hermansky-Pudlak syndrome. Last evaluated: 2021-11-29. Review status: criteria provided, single submitter. Criteria: ACMG Guidelines, 2015. Collection method: curation. Allele origin: germline. Inheritance: Autosomal recessive inheritance.
Comment: The p.Leu588Pro variant in HPS1 has been reported in 1 individual, in the compound heterozygous state, with Hermansky-Pudlak syndrome (PMID: 31141302) and has been identified in 0.005% (1/18394) of East Asian chromosomes by the Genome Aggregation Database (gnomAD; dbSNP ID: rs139951191). Although this variant has been seen in the general population in a heterozygous state, its frequency is low enough to be consistent with a recessive carrier frequency. Computational prediction tools and conservation analyses do not provide strong support for or against an impact to the protein. In summary, the clinical significance of the p.Leu588Pro variant is uncertain. ACMG/AMP Criteria applied: PM2_supporting, PM3 (Richards 2015).

Baylor Genetics
Classification: Uncertain significance for Hermansky-Pudlak syndrome 1. Last evaluated: 2018-03-15. Review status: criteria provided, single submitter. Criteria: ACMG Guidelines, 2015. Collection method: clinical testing. Allele origin: unknown. Affected: yes.
Comment: This variant was determined to be of uncertain significance according to ACMG Guidelines, 2015 [PMID:25741868].

Literature cited by the submitters: PubMed 31141302 (cited by Women's Health and Genetics/Laboratory Corporation of America, LabCorp).